The following is an entry in ClinVar:

NM_014633.5(CTR9):c.2980_2981delinsTT (p.Ala994Phe)

Gene: CTR9 (CTR9 component of Paf1/RNA polymerase II complex; plus strand). Cytogenetic location: 11p15.4.
Variant type: Indel.
Coding change: c.2980_2981delinsTT on transcript NM_014633.5 (MANE Select); coding-DNA positions 2980 to 2981, GC replaced by TT.
Protein change: p.Ala994Phe; replaces alanine 994 with phenylalanine.
Molecular consequence: missense variant.
Genome position (GRCh38, 1-based): chr11:10,775,301-10,775,302, GC replaced by TT. VCF-style: chr11-10775301-GC-TT. GRCh37 (hg19) VCF-style: chr11-10796848-GC-TT.
Other names: c.2908_2909delinsTT, p.Ala970Phe (NM_001346279.2); short protein forms A970F, A994F.
Identifiers: ClinVar variation 4976076 (VCV004976076.1).
Genomic context (GRCh38, chr11:10,775,301, plus strand): 5'-GAAACAGAAAATGGCCCCAAACCAAAAAAACGACGTCCACCAAAAGCAGAGAAGAAAAAG[GC>TT]TGTAAGTTTATAGTACTGTGTTTTTCTGTCCCCTAGTAGATGTGAAAGATTGCAGTACAC-3'
Protein context (NP_055448.1, residues 984-1004): RRPPKAEKKK[Ala994Phe]PKPERLPPSM

ClinVar aggregate classification (germline): Uncertain significance (1 of 4 stars; one submission).

Submission:

GeneDx
Classification: Uncertain significance. Last evaluated: 2026-02-02. Review status: criteria provided, single submitter. Criteria: GeneDx Variant Classification Process June 2021. Collection method: clinical testing. Allele origin: germline.
Comment: Not observed at significant frequency in large population cohorts (gnomAD); In silico analysis supports a deleterious effect on protein structure/function; Has not been previously published as pathogenic or benign to our knowledge